The following continues an entry in ClinVar:

NM_001267550.2(TTN):c.100587G>A (p.Trp33529Ter)

ClinVar aggregate classification (germline): Pathogenic/Likely pathogenic. Pathogenic (5); Likely pathogenic (9).

Submissions 5 to 14 of 14:

Ambry Genetics
Classification: Likely pathogenic for Cardiovascular phenotype. Last evaluated: 2025-07-15. Review status: criteria provided, single submitter. Criteria: Ambry Variant Classification Scheme 2023. Collection method: clinical testing. Allele origin: germline.
Comment: The p.W24464* variant (also known as c.73392G>A), located in coding exon 184 of the TTN gene, results from a G to A substitution at nucleotide position 73392. This changes the amino acid from a tryptophan to a stop codon within coding exon 184. This exon is located in the A-band region of the N2-B isoform of the titin protein and is constitutively expressed in TTN transcripts (percent spliced in or PSI 100%). This variant (also referred to as p.W33529*, c.100587G>A) was reported in individual(s) with features consistent with dilated cardiomyopathy (Ware SM et al. J Am Heart Assoc. 2021 May;10(9):e017731; Ambry internal data), and was reported to co-occur in trans with a TTN canonical I-band variant in a case with pediatric-onset cardiomyopathy from a cohort of patients with early onset hypotonia and/or congenital contractures (Oates EC. Ann Neurol. 2018 Jun;83(6):1105-1124). This variant is expected to result in loss of function by premature protein truncation or nonsense-mediated mRNA decay. While truncating variants in TTN are present in 1-3% of the general population, truncating variants in the A-band are the most common cause of dilated cardiomyopathy (Herman DS et al. N. Engl. J. Med., 2012 Feb;366:619-28; Roberts AM et al. Sci Transl Med, 2015 Jan;7:270ra6). TTN truncating variants encoded in constitutive exons (PSI >90%) have been found to be significantly associated with DCM regardless of their position in titin (Schafer S et al. Nat. Genet., 2017 01;49:46-53; Akhtar MM et al. Circ Heart Fail, 2020 Oct;13:e006832; Massier M et al. Clin Genet, 2025 Jan). Based on the majority of available evidence to date, this variant is likely to be pathogenic.

CeGaT Center for Human Genetics Tuebingen
Classification: Likely pathogenic. Last evaluated: 2024-10-01. Review status: criteria provided, single submitter. Criteria: CeGaT Center For Human Genetics Tuebingen Variant Classification Criteria Version 2. Collection method: clinical testing. Allele origin: germline. Affected: yes. Observed: 1 variant allele.
Comment: TTN: PVS1:Strong, PM2

Blueprint Genetics
Classification: Pathogenic for TTN-related disorders. Last evaluated: 2023-12-05. Review status: criteria provided, single submitter. Criteria: ACMG Guidelines, 2015. Collection method: clinical testing. Allele origin: germline. Affected: yes. Observed: 1 variant allele.

Baylor Genetics
Classification: Likely pathogenic for Tibial muscular dystrophy. Last evaluated: 2022-11-21. Review status: criteria provided, single submitter. Criteria: ACMG Guidelines, 2015. Collection method: clinical testing. Allele origin: unknown.

Baylor Genetics
Classification: Likely pathogenic for Hypertrophic cardiomyopathy 9. Last evaluated: 2022-11-21. Review status: criteria provided, single submitter. Criteria: ACMG Guidelines, 2015. Collection method: clinical testing. Allele origin: unknown.

Baylor Genetics
Classification: Likely pathogenic for Dilated cardiomyopathy 1G. Last evaluated: 2022-11-21. Review status: criteria provided, single submitter. Criteria: ACMG Guidelines, 2015. Collection method: clinical testing. Allele origin: unknown.

Baylor Genetics
Classification: Likely pathogenic for Myopathy, myofibrillar, 9, with early respiratory failure. Last evaluated: 2022-11-21. Review status: criteria provided, single submitter. Criteria: ACMG Guidelines, 2015. Collection method: clinical testing. Allele origin: unknown.

Baylor Genetics
Classification: Likely pathogenic for Early-onset myopathy with fatal cardiomyopathy. Last evaluated: 2022-11-21. Review status: criteria provided, single submitter. Criteria: ACMG Guidelines, 2015. Collection method: clinical testing. Allele origin: unknown.

Baylor Genetics
Classification: Likely pathogenic for Autosomal recessive limb-girdle muscular dystrophy type 2J. Last evaluated: 2022-11-21. Review status: criteria provided, single submitter. Criteria: ACMG Guidelines, 2015. Collection method: clinical testing. Allele origin: unknown.

Fulgent Genetics
Classification: Likely pathogenic for Tibial muscular dystrophy; Myopathy, myofibrillar, 9, with early respiratory failure; Dilated cardiomyopathy 1G; Autosomal recessive limb-girdle muscular dystrophy type 2J; Early-onset myopathy with fatal cardiomyopathy; Hypertrophic cardiomyopathy 9. Last evaluated: 2022-02-22. Review status: criteria provided, single submitter. Criteria: ACMG Guidelines, 2015. Collection method: clinical testing. Allele origin: unknown.

Literature cited by the submitters: PubMed 30535219 (cited by Women's Health and Genetics/Laboratory Corporation of America, LabCorp and Labcorp Genetics (formerly Invitae), Labcorp); PubMed 34495297 (cited by Women's Health and Genetics/Laboratory Corporation of America, LabCorp and Labcorp Genetics (formerly Invitae), Labcorp); PubMed 33906374 (cited by Women's Health and Genetics/Laboratory Corporation of America, LabCorp and Labcorp Genetics (formerly Invitae), Labcorp); PubMed 29691892 (cited by Women's Health and Genetics/Laboratory Corporation of America, LabCorp and Ambry Genetics); PubMed 40155426 (cited by Women's Health and Genetics/Laboratory Corporation of America, LabCorp); PubMed 33226272 (cited by Labcorp Genetics (formerly Invitae), Labcorp); PubMed 25589632 (cited by Labcorp Genetics (formerly Invitae), Labcorp); PubMed 23975875 (cited by Labcorp Genetics (formerly Invitae), Labcorp).